The following is an entry in ClinVar:

NM_014996.4(PLCH1):c.2560G>C (p.Glu854Gln)

Gene: PLCH1 (phospholipase C eta 1; minus strand). Cytogenetic location: 3q25.31.
Variant type: single nucleotide variant.
Coding change: c.2560G>C on transcript NM_014996.4 (MANE Select); coding-DNA position 2560, G replaced by C.
Protein change: p.Glu854Gln; replaces glutamic acid 854 with glutamine.
Molecular consequence: missense variant.
Genome position (GRCh38, 1-based): chr3:155,488,087, C>G on the plus strand (G>C on the coding strand, the complement: PLCH1 is on the minus strand). VCF-style: chr3-155488087-C-G. GRCh37 (hg19) VCF-style: chr3-155205876-C-G.
Other names: c.2524G>C, p.Glu842Gln (NM_001130960.2, NM_001130961.2, NM_001349250.2); c.2560G>C, p.Glu854Gln (NM_001349251.2, NM_001349252.2); short protein forms E842Q, E854Q.
Identifiers: ClinVar variation 3338622 (VCV003338622.1).

ClinVar aggregate classification (germline): Uncertain significance (1 of 4 stars; one submission).

Submission:

Greenwood Genetic Center Diagnostic Laboratories, Greenwood Genetic Center
Classification: Uncertain significance. Last evaluated: 2024-05-03. Review status: criteria provided, single submitter. Criteria: ACMG Guidelines, 2015. Collection method: clinical testing. Allele origin: germline. Affected: yes.
Comment: Gene of Uncertain Significance